The following is an entry in ClinVar:

NM_013275.6(ANKRD11):c.6268G>T (p.Ala2090Ser)

Gene: ANKRD11 (ankyrin repeat domain 11; minus strand). Cytogenetic location: 16q24.3.
Variant type: single nucleotide variant.
Coding change: c.6268G>T on transcript NM_013275.6 (MANE Select); coding-DNA position 6268, G replaced by T.
Protein change: p.Ala2090Ser; replaces alanine 2090 with serine.
Molecular consequence: missense variant.
Genome position (GRCh38, 1-based): chr16:89,280,274, C>A on the plus strand (G>T on the coding strand, the complement: ANKRD11 is on the minus strand). VCF-style: chr16-89280274-C-A. GRCh37 (hg19) VCF-style: chr16-89346682-C-A.
Other names: c.6268G>T, p.Ala2090Ser (NM_001256182.2, NM_001256183.2); short protein forms A2090S.
Identifiers: ClinVar variation 2159730 (VCV002159730.4), dbSNP rs762396809, ClinGen allele CA8241511.

ClinVar aggregate classification (germline): Uncertain significance (1 of 4 stars; one submission).

Conditions:
KBG syndrome (KBGS). Also called: ANKRD11-Related KBG Syndrome. Identifiers: Orphanet 2332, MedGen C0220687, MONDO:0007846, OMIM 148050.

Allele frequency attached by ClinVar (database versions not stated): TOPMed below 0.00001; ExAC 0.00002.
gnomAD v4.1: 8 of 1,608,846 alleles (0.0005%); highest among the groups gnomAD compares: Non-Finnish European, 0.00068%; no homozygotes.

Submission:

Labcorp Genetics (formerly Invitae), Labcorp
Classification: Uncertain significance for KBG syndrome. Last evaluated: 2025-09-07. Review status: criteria provided, single submitter. Criteria: Invitae Variant Classification Sherloc (09022015). Collection method: clinical testing. Allele origin: germline.
Comment: This sequence change replaces alanine, which is neutral and non-polar, with serine, which is neutral and polar, at codon 2090 of the ANKRD11 protein (p.Ala2090Ser). This variant is present in population databases (rs762396809, gnomAD 0.002%). This variant has not been reported in the literature in individuals affected with ANKRD11-related conditions. ClinVar contains an entry for this variant (Variation ID: 2159730). Invitae Evidence Modeling of protein sequence and biophysical properties (such as structural, functional, and spatial information, amino acid conservation, physicochemical variation, residue mobility, and thermodynamic stability) indicates that this missense variant is not expected to disrupt ANKRD11 protein function with a negative predictive value of 95%. In summary, the available evidence is currently insufficient to determine the role of this variant in disease. Therefore, it has been classified as a Variant of Uncertain Significance.